The following is an entry in ClinVar:

ClinVar aggregate classification (germline): Likely benign. Review status: criteria provided, multiple submitters, no conflicts (2 of 4 stars). 2 submissions from 2 submitters: Likely benign (2). Last evaluated 2025-06-22.

Conditions:
Hereditary diffuse gastric adenocarcinoma (HDGC). Also called: DIFFUSE GASTRIC AND LOBULAR BREAST CANCER SYNDROME. Identifiers: Orphanet 26106, MedGen C1708349, MONDO:0007648, OMIM 137215.

Allele frequency attached by ClinVar (database versions not stated): gnomAD exomes below 0.00001; gnomAD 0.00001.
gnomAD v4.1: 3 of 1,611,020 alleles (0.00019%); highest among the groups gnomAD compares: Admixed American, 0.0017%; no homozygotes.

Submissions (2):

Labcorp Genetics (formerly Invitae), Labcorp
Classification: Likely benign. Last evaluated: 2025-06-22. Review status: criteria provided, single submitter. Criteria: Invitae Variant Classification Sherloc (09022015). Collection method: clinical testing. Allele origin: germline.

Myriad Genetics, Inc.
Classification: Likely benign for Hereditary diffuse gastric adenocarcinoma. Last evaluated: 2024-10-15. Review status: criteria provided, single submitter. Criteria: Myriad Autosomal Dominant, Autosomal Recessive and X-Linked Classification Criteria (2023). Collection method: clinical testing. Allele origin: unknown.
Comment: This variant is considered likely benign. This variant is intronic and is not expected to impact mRNA splicing.

NM_001903.5(CTNNA1):c.2434-9G>T

Gene: CTNNA1 (catenin alpha 1; plus strand). Cytogenetic location: 5q31.2.
Variant type: single nucleotide variant.
Coding change: c.2434-9G>T on transcript NM_001903.5 (MANE Select); 9 bases into the intron before coding-DNA position 2434, G replaced by T.
Molecular consequence: intron variant.
Genome position (GRCh38, 1-based): chr5:138,933,793, G>T. VCF-style: chr5-138933793-G-T. GRCh37 (hg19) VCF-style: chr5-138269482-G-T.
Other names: c.1395-9G>T (NM_001324003.1, NM_001324002.1, NM_001324004.1 and 1 more transcripts); c.1324-9G>T (NM_001323990.1, NM_001323991.1, NM_001324000.1 and 12 more transcripts); c.1081-9G>T (NM_001324013.1, NM_001324012.1); c.985-9G>T (NM_001324009.1, NM_001324006.1, NM_001324008.1 and 2 more transcripts); c.1189-9G>T (NM_001324001.1); c.1231-9G>T (NM_001324011.1); c.2434-9G>T (NM_001323982.2, NM_001323984.2, NM_001323983.1); c.2505-9G>T (NM_001290307.3); and 4 more.
Identifiers: ClinVar variation 2917779 (VCV002917779.4), dbSNP rs1765964330, ClinGen allele CA1082106852.